The following is an entry in ClinVar:

ClinVar aggregate classification (germline): Uncertain significance (1 of 4 stars; one submission).

gnomAD v4.1: 1 of 1,614,026 alleles (0.000062%); highest among the groups gnomAD compares: Non-Finnish European, 0.000085%; no homozygotes.

Submission:

GeneDx
Classification: Uncertain significance. Last evaluated: 2026-01-22. Review status: criteria provided, single submitter. Criteria: GeneDx Variant Classification Process June 2021. Collection method: clinical testing. Allele origin: germline.
Comment: Not observed at significant frequency in large population cohorts (gnomAD); In silico analysis supports that this missense variant has a deleterious effect on protein structure/function; Has not been previously published as pathogenic or benign to our knowledge

NM_001003694.2(BRPF1):c.176G>C (p.Arg59Pro)

Gene: BRPF1 (bromodomain and PHD finger containing 1; plus strand). Cytogenetic location: 3p25.3.
Variant type: single nucleotide variant.
Coding change: c.176G>C on transcript NM_001003694.2 (MANE Select); coding-DNA position 176, G replaced by C.
Protein change: p.Arg59Pro; replaces arginine 59 with proline.
Molecular consequence: missense variant. On other transcripts: non-coding transcript variant (1).
Genome position (GRCh38, 1-based): chr3:9,734,316, G>C. VCF-style: chr3-9734316-G-C. GRCh37 (hg19) VCF-style: chr3-9776000-G-C.
Other names: c.176G>C, p.Arg59Pro (NM_001319049.2, NM_001319050.2, NM_001410704.1 and 7 more transcripts); short protein forms R59P.
Identifiers: ClinVar variation 4975532 (VCV004975532.1).
Genomic context (GRCh38, chr3:9,734,316, plus strand): 5'-AGTACCACCTGTACCACTATGACCACGACAACCCACCACCCCCACAACAAACTCCACTCC[G>C]CAAGCACAAGAAAAAGGGGCGCCAGTCACGCCCAGCCAACAAGCAGTCACCCAGCCCCTC-3'
Protein context (NP_001003694.1, residues 49-69): NPPPPQQTPL[Arg59Pro]KHKKKGRQSR